The following is an entry in ClinVar:

ClinVar aggregate classification (germline): Likely benign. Review status: criteria provided, multiple submitters, no conflicts (2 of 4 stars). 3 submissions from 3 submitters: Likely benign (3). Last evaluated 2026-02-04.

Conditions:
Immunodeficiency 104. Also called: IMMUNODEFICIENCY 104, SEVERE COMBINED; Severe combined immunodeficiency, autosomal recessive, T cell-negative, B cell-positive, NK cell-positive; Severe Combined Immune Deficiency, Autosomal Recessive, TCell -Negative, B Cell-Positive, NK Cell-Positive, IL7R-Related; SCID, AUTOSOMAL RECESSIVE, T CELL-NEGATIVE, B CELL-POSITIVE, NK CELL-POSITIVE. Identifiers: MedGen C5676890, MONDO:0012163, OMIM 608971.

Allele frequency attached by ClinVar (database versions not stated): 1000 Genomes Project 30x 0.00047; 1000 Genomes Project 0.00060; gnomAD 0.00095 and 0.00103; TOPMed 0.00106; ESP Exome Variant Server 0.00123.
gnomAD v4.1: 257 of 1,613,066 alleles (0.016%); highest among the groups gnomAD compares: African/African-American, 0.31%; 2 homozygotes.

Submissions (3):

Women's Health and Genetics/Laboratory Corporation of America, LabCorp
Classification: Likely benign. Last evaluated: 2026-02-04. Review status: criteria provided, single submitter. Criteria: LabCorp Variant Classification Summary - May 2015. Collection method: clinical testing. Allele origin: germline.
Comment: Variant summary: PTPRC c.3914G>C (p.Gly1305Ala) results in a non-conservative amino acid change in the encoded protein sequence. Algorithms developed to predict the effect of missense changes on protein structure and function are either unavailable or do not agree on the potential impact of this missense change. The variant allele was found at a frequency of 0.00025 in 249938 control chromosomes, predominantly at a frequency of 0.0037 within the African or African-American subpopulation in the gnomAD database, including 1 homozygotes. The observed variant frequency within African or African-American control individuals in the gnomAD database exceeds the estimated maximal expected allele frequency for disease-causing variants in PTPRC. To our knowledge, no occurrence of c.3914G>C in individuals affected with PTPRC-related conditions and no experimental evidence demonstrating its impact on protein function have been reported. ClinVar contains an entry for this variant (Variation ID: 533071). Based on the evidence outlined above, the variant was classified as likely benign.

Labcorp Genetics (formerly Invitae), Labcorp
Classification: Likely benign for Immunodeficiency 104. Last evaluated: 2026-01-26. Review status: criteria provided, single submitter. Criteria: Invitae Variant Classification Sherloc (09022015). Collection method: clinical testing. Allele origin: germline.

Blueprint Genetics
Classification: Likely benign. Last evaluated: 2023-02-01. Review status: criteria provided, single submitter. Criteria: ACMG Guidelines, 2015. Collection method: clinical testing. Allele origin: germline.

NM_002838.5(PTPRC):c.3914G>C (p.Gly1305Ala)

Gene: PTPRC (protein tyrosine phosphatase receptor type C; plus strand). Cytogenetic location: 1q32.1.
Variant type: single nucleotide variant.
Coding change: c.3914G>C on transcript NM_002838.5 (MANE Select); coding-DNA position 3914, G replaced by C.
Protein change: p.Gly1305Ala; replaces glycine 1305 with alanine.
Molecular consequence: missense variant.
Genome position (GRCh38, 1-based): chr1:198,756,174, G>C. VCF-style: chr1-198756174-G-C. GRCh37 (hg19) VCF-style: chr1-198725303-G-C.
Other names: c.3431G>C, p.Gly1144Ala (NM_080921.4); short protein forms G1305A, G1144A.
Identifiers: ClinVar variation 533071 (VCV000533071.14), dbSNP rs148331492, ClinGen allele CA1315581.
Genomic context (GRCh38, chr1:198,756,174, plus strand): 5'-GTGGCACTGAGGGGCCAGAACATTCTGTCAATGGTCCTGCAAGTCCAGCTTTAAATCAAG[G>C]TTCATAGGAAAAGACATAAATGAGGAAACTCCAAACCTCCTGTTAGCTGTTATTTCTATT-3'
Protein context (NP_002829.3, residues 1295-1306): NGPASPALNQ[Gly1305Ala]S